The following is an entry in ClinVar:

ClinVar aggregate classification (germline): Conflicting classifications of pathogenicity. Review status: criteria provided, conflicting classifications (1 of 4 stars). 5 submissions from 5 submitters: Uncertain significance (4); Benign (1). Last evaluated 2025-11-05.

Conditions:
Emery-Dreifuss muscular dystrophy 5, autosomal dominant (EDMD5). Also called: EMERY-DREIFUSS MUSCULAR DYSTROPHY 5. Identifiers: Orphanet 261, MedGen C2751805, MONDO:0013072, OMIM 612999.

Allele frequency attached by ClinVar (database versions not stated): gnomAD 0.00012 and 0.00013; TOPMed 0.00012; gnomAD exomes 0.00014 and 0.00016; ExAC 0.00015; ESP Exome Variant Server 0.00023.
gnomAD v4.1: 257 of 1,614,054 alleles (0.016%); highest among the groups gnomAD compares: Non-Finnish European, 0.021%; no homozygotes.

Submissions (5):

Labcorp Genetics (formerly Invitae), Labcorp
Classification: Uncertain significance for Emery-Dreifuss muscular dystrophy 5, autosomal dominant. Last evaluated: 2025-11-05. Review status: criteria provided, single submitter. Criteria: Invitae Variant Classification Sherloc (09022015). Collection method: clinical testing. Allele origin: germline.
Comment: This sequence change replaces glutamine, which is neutral and polar, with glutamic acid, which is acidic and polar, at codon 6199 of the SYNE2 protein (p.Gln6199Glu). This variant is present in population databases (rs375497206, gnomAD 0.03%), and has an allele count higher than expected for a pathogenic variant. This variant has not been reported in the literature in individuals affected with SYNE2-related conditions. ClinVar contains an entry for this variant (Variation ID: 313643). An algorithm developed to predict the effect of missense changes on protein structure and function (PolyPhen-2) suggests that this variant is likely to be tolerated. In summary, the available evidence is currently insufficient to determine the role of this variant in disease. Therefore, it has been classified as a Variant of Uncertain Significance.

Athena Diagnostics
Classification: Uncertain significance. Last evaluated: 2025-09-18. Review status: criteria provided, single submitter. Criteria: Athena Diagnostics Criteria. Collection method: clinical testing. Allele origin: unknown.
Comment: Available data are insufficient to determine the clinical significance of the variant at this time. The frequency of this variant in the general population is uninformative in assessment of its pathogenicity. Polyphen and MutationTaster predict this amino acid change may be damaging to the protein.

Ambry Genetics
Classification: Uncertain significance. Last evaluated: 2025-06-23. Review status: criteria provided, single submitter. Criteria: Ambry Variant Classification Scheme 2023. Collection method: clinical testing. Allele origin: germline.

Revvity Omics, Revvity
Classification: Uncertain significance for Emery-Dreifuss muscular dystrophy 5, autosomal dominant. Last evaluated: 2019-05-29. Review status: criteria provided, single submitter. Criteria: ACMG Guidelines, 2015. Collection method: clinical testing. Allele origin: germline.

Illumina Laboratory Services, Illumina
Classification: Benign for Emery-Dreifuss muscular dystrophy 5, autosomal dominant. Last evaluated: 2018-01-13. Review status: criteria provided, single submitter. Criteria: ICSL Variant Classification Criteria 13 December 2019. Collection method: clinical testing. Allele origin: germline.
Comment: This variant was observed in the ICSL laboratory as part of a predisposition screen in an ostensibly healthy population. It had not been previously curated by ICSL or reported in the Human Gene Mutation Database (HGMD: prior to June 1st, 2018), and was therefore a candidate for classification through an automated scoring system. Utilizing variant allele frequency, disease prevalence and penetrance estimates, and inheritance mode, an automated score was calculated to assess if this variant is too frequent to cause the disease. Based on the score and internal cut-off values, a variant classified as benign is not then subjected to further curation. The score for this variant resulted in a classification of benign for this disease.

NM_182914.3(SYNE2):c.18595C>G (p.Gln6199Glu)

Gene: SYNE2 (spectrin repeat containing nuclear envelope protein 2; plus strand). Cytogenetic location: 14q23.2.
Variant type: single nucleotide variant.
Coding change: c.18595C>G on transcript NM_182914.3 (MANE Select); coding-DNA position 18595, C replaced by G.
Protein change: p.Gln6199Glu; replaces glutamine 6199 with glutamic acid.
Molecular consequence: missense variant.
Genome position (GRCh38, 1-based): chr14:64,209,996, C>G. VCF-style: chr14-64209996-C-G. GRCh37 (hg19) VCF-style: chr14-64676714-C-G.
Other names: c.18595C>G, p.Gln6199Glu (NM_015180.6); short protein forms Q6199E.
Identifiers: ClinVar variation 313643 (VCV000313643.14), dbSNP rs375497206, ClinGen allele CA7224143.